The following is an entry in ClinVar:

ClinVar aggregate classification (germline): Uncertain significance (1 of 4 stars; one submission).

Submission:

GeneDx
Classification: Uncertain significance. Last evaluated: 2024-06-13. Review status: criteria provided, single submitter. Criteria: GeneDx Variant Classification Process June 2021. Collection method: clinical testing. Allele origin: germline. Affected: yes.
Comment: Not observed at significant frequency in large population cohorts (gnomAD); In silico analysis supports that this missense variant has a deleterious effect on protein structure/function; Has not been previously published as pathogenic or benign to our knowledge

NM_001330078.2(NRXN1):c.181C>T (p.Arg61Cys)

Gene: NRXN1 (neurexin 1; minus strand). Cytogenetic location: 2p16.3.
Variant type: single nucleotide variant.
Coding change: c.181C>T on transcript NM_001330078.2 (MANE Select); coding-DNA position 181, C replaced by T.
Protein change: p.Arg61Cys; replaces arginine 61 with cysteine.
Molecular consequence: missense variant.
Genome position (GRCh38, 1-based): chr2:51,028,093, G>A on the plus strand (C>T on the coding strand, the complement: NRXN1 is on the minus strand). VCF-style: chr2-51028093-G-A. GRCh37 (hg19) VCF-style: chr2-51255231-G-A.
Other names: c.181C>T, p.Arg61Cys (NM_001330093.2, NM_001330094.2, NM_001330095.2 and 15 more transcripts); short protein forms R61C.
Identifiers: ClinVar variation 3390825 (VCV003390825.1).